The following is an entry in ClinVar:

NM_006015.6(ARID1A):c.2756A>G (p.Asn919Ser)

Gene: ARID1A (AT-rich interaction domain 1A; plus strand). Cytogenetic location: 1p36.11.
Variant type: single nucleotide variant.
Coding change: c.2756A>G on transcript NM_006015.6 (MANE Select); coding-DNA position 2756, A replaced by G.
Protein change: p.Asn919Ser; replaces asparagine 919 with serine.
Molecular consequence: missense variant.
Genome position (GRCh38, 1-based): chr1:26,766,244, A>G. VCF-style: chr1-26766244-A-G. GRCh37 (hg19) VCF-style: chr1-27092735-A-G.
Other names: c.2756A>G, p.Asn919Ser (NM_139135.4); short protein forms N919S.
Identifiers: ClinVar variation 1028990 (VCV001028990.1), dbSNP rs1250258763, ClinGen allele CA339160485.

ClinVar aggregate classification (germline): Uncertain significance (1 of 4 stars; one submission).

Conditions:
Intellectual disability, autosomal dominant 14 (CSS2). Also called: COFFIN-SIRIS SYNDROME 2. Identifiers: Orphanet 1465, MedGen C3553247, MONDO:0013819, OMIM 614607.

Allele frequency attached by ClinVar (database versions not stated): gnomAD exomes below 0.00001; TOPMed below 0.00001; gnomAD 0.00001.
gnomAD v4.1: 4 of 1,613,804 alleles (0.00025%); highest among the groups gnomAD compares: Non-Finnish European, 0.00034%; no homozygotes.

Submission:

Baylor Genetics
Classification: Uncertain significance for Intellectual disability, autosomal dominant 14. Last evaluated: 2019-10-09. Review status: criteria provided, single submitter. Criteria: ACMG Guidelines, 2015. Collection method: clinical testing. Allele origin: unknown. Affected: yes.
Comment: This variant was determined to be of uncertain significance according to ACMG Guidelines, 2015 [PMID:25741868].